The following is an entry in ClinVar:

NM_000642.3(AGL):c.3149T>C (p.Val1050Ala)

Gene: AGL (amylo-alpha-1,6-glucosidase and 4-alpha-glucanotransferase; plus strand). Cytogenetic location: 1p21.2.
Variant type: single nucleotide variant.
Coding change: c.3149T>C on transcript NM_000642.3 (MANE Select); coding-DNA position 3149, T replaced by C.
Protein change: p.Val1050Ala; replaces valine 1050 with alanine.
Molecular consequence: missense variant.
Genome position (GRCh38, 1-based): chr1:99,892,497, T>C. VCF-style: chr1-99892497-T-C. GRCh37 (hg19) VCF-style: chr1-100358053-T-C.
Other names: c.3149T>C, p.Val1050Ala (NM_000028.3, NM_000643.3, NM_000644.3 and 1 more transcripts); c.3101T>C, p.Val1034Ala (NM_000646.3); c.3128T>C, p.Val1043Ala (NM_001425326.1); c.2948T>C, p.Val983Ala (NM_001425327.1); c.2945T>C, p.Val982Ala (NM_001425328.1); c.2810T>C, p.Val937Ala (NM_001425329.1); c.2771T>C, p.Val924Ala (NM_001425332.1); short protein forms V1034A, V1050A, V1043A, V924A, V937A, V982A, V983A.
Identifiers: ClinVar variation 1408585 (VCV001408585.4), dbSNP rs1652977376, ClinGen allele CA341326790.

ClinVar aggregate classification (germline): Uncertain significance (1 of 4 stars; one submission).

Conditions:
Glycogen storage disease type III (GSD3). Also called: Cori disease; FORBES DISEASE. Identifiers: Orphanet 366, MedGen C0017922, MONDO:0009291, OMIM 232400.

Allele frequency attached by ClinVar (database versions not stated): gnomAD 0.00001; TOPMed 0.00001.
gnomAD v4.1: 1 of 1,613,458 alleles (0.000062%); highest among the groups gnomAD compares: African/African-American, 0.0013%; no homozygotes.

Submission:

Labcorp Genetics (formerly Invitae), Labcorp
Classification: Uncertain significance for Glycogen storage disease type III. Last evaluated: 2022-04-07. Review status: criteria provided, single submitter. Criteria: Invitae Variant Classification Sherloc (09022015). Collection method: clinical testing. Allele origin: germline.
Comment: This sequence change replaces valine, which is neutral and non-polar, with alanine, which is neutral and non-polar, at codon 1050 of the AGL protein (p.Val1050Ala). This variant is not present in population databases (gnomAD no frequency). This variant has not been reported in the literature in individuals affected with AGL-related conditions. Algorithms developed to predict the effect of missense changes on protein structure and function (SIFT, PolyPhen-2, Align-GVGD) all suggest that this variant is likely to be tolerated. Algorithms developed to predict the effect of sequence changes on RNA splicing suggest that this variant may create or strengthen a splice site. In summary, the available evidence is currently insufficient to determine the role of this variant in disease. Therefore, it has been classified as a Variant of Uncertain Significance.